The following is an entry in ClinVar:

ClinVar aggregate classification (germline): Conflicting classifications of pathogenicity. Review status: criteria provided, conflicting classifications (1 of 4 stars). 3 submissions from 3 submitters: Uncertain significance (2); Likely benign (1). Last evaluated 2025-09-28.

Conditions:
Inborn genetic diseases. Identifiers: MedGen C0950123, MeSH D030342.

Allele frequency attached by ClinVar (database versions not stated): gnomAD exomes 0.00004; ExAC 0.00005; gnomAD 0.00006; TOPMed 0.00006; ESP Exome Variant Server 0.00015.

Submissions (3):

Labcorp Genetics (formerly Invitae), Labcorp
Classification: Uncertain significance. Last evaluated: 2025-09-28. Review status: criteria provided, single submitter. Criteria: Invitae Variant Classification Sherloc (09022015). Collection method: clinical testing. Allele origin: germline.
Comment: This sequence change replaces arginine, which is basic and polar, with histidine, which is basic and polar, at codon 263 of the CAPN5 protein (p.Arg263His). This variant is present in population databases (rs200359404, gnomAD 0.01%). This variant has not been reported in the literature in individuals affected with CAPN5-related conditions. ClinVar contains an entry for this variant (Variation ID: 965588). Invitae Evidence Modeling of protein sequence and biophysical properties (such as structural, functional, and spatial information, amino acid conservation, physicochemical variation, residue mobility, and thermodynamic stability) indicates that this missense variant is not expected to disrupt CAPN5 protein function with a negative predictive value of 80%. In summary, the available evidence is currently insufficient to determine the role of this variant in disease. Therefore, it has been classified as a Variant of Uncertain Significance.

Ambry Genetics
Classification: Uncertain significance for Inborn genetic diseases. Last evaluated: 2025-08-13. Review status: criteria provided, single submitter. Criteria: Ambry Variant Classification Scheme 2023. Collection method: clinical testing. Allele origin: germline.

Blueprint Genetics
Classification: Likely benign. Last evaluated: 2023-11-27. Review status: criteria provided, single submitter. Criteria: ACMG Guidelines, 2015. Collection method: clinical testing. Allele origin: germline.

NM_004055.5(CAPN5):c.788G>A (p.Arg263His)

Gene: CAPN5 (calpain 5; plus strand). Cytogenetic location: 11q13.5.
Variant type: single nucleotide variant.
Coding change: c.788G>A on transcript NM_004055.5 (MANE Select); coding-DNA position 788, G replaced by A.
Protein change: p.Arg263His; replaces arginine 263 with histidine.
Molecular consequence: missense variant.
Genome position (GRCh38, 1-based): chr11:77,115,483, G>A. VCF-style: chr11-77115483-G-A. GRCh37 (hg19) VCF-style: chr11-76826529-G-A.
Other names: short protein forms R263H.
Identifiers: ClinVar variation 965588 (VCV000965588.11), dbSNP rs200359404, ClinGen allele CA6196559.